The following is an entry in ClinVar:

ClinVar aggregate classification (germline): Uncertain significance. Review status: criteria provided, multiple submitters, no conflicts (2 of 4 stars). 2 submissions from 2 submitters: Uncertain significance (2). Last evaluated 2024-08-20.

Conditions:
Periodic fever-infantile enterocolitis-autoinflammatory syndrome. Also called: Autoinflammation with infantile enterocolitis. Identifiers: Orphanet 436166, MedGen C4015067, MONDO:0014472, OMIM 616050.
Familial cold autoinflammatory syndrome 4 (FCAS4). Identifiers: Orphanet 47045, Orphanet 576349, MedGen C4015276, MONDO:0014498, OMIM 616115.

Submissions (2):

Labcorp Genetics (formerly Invitae), Labcorp
Classification: Uncertain significance for Periodic fever-infantile enterocolitis-autoinflammatory syndrome; Familial cold autoinflammatory syndrome 4. Last evaluated: 2024-08-20. Review status: criteria provided, single submitter. Criteria: Invitae Variant Classification Sherloc (09022015). Collection method: clinical testing. Allele origin: germline.
Comment: This sequence change creates a premature translational stop signal (p.Phe402Leufs*5) in the NLRC4 gene. It is expected to result in an absent or disrupted protein product. However, the current clinical and genetic evidence is not sufficient to establish whether loss-of-function variants in NLRC4 cause disease. This variant is not present in population databases (gnomAD no frequency). This variant has not been reported in the literature in individuals affected with NLRC4-related conditions. ClinVar contains an entry for this variant (Variation ID: 1923395). In summary, the available evidence is currently insufficient to determine the role of this variant in disease. Therefore, it has been classified as a Variant of Uncertain Significance.

Department of Pathology and Laboratory Medicine, Sinai Health System
Classification: Uncertain significance for Periodic fever-infantile enterocolitis-autoinflammatory syndrome; Familial cold autoinflammatory syndrome 4. Last evaluated: 2021-07-30. Review status: criteria provided, single submitter. Criteria: ACMG Guidelines, 2015. Collection method: research. Allele origin: germline.

NM_001199138.2(NLRC4):c.1203_1204del (p.Phe402fs)

Gene: NLRC4 (NLR family CARD domain containing 4; minus strand). Cytogenetic location: 2p22.3.
Variant type: Microsatellite.
Coding change: c.1203_1204del on transcript NM_001199138.2 (MANE Select); coding-DNA positions 1203 to 1204, 2 bases deleted (GT; older notation c.1203_1204delGT).
Protein change: p.Phe402fs; shifts the reading frame from phenylalanine 402.
Molecular consequence: frameshift variant. On other transcripts: intron variant (1).
Genome position (GRCh38, 1-based): chr2:32,250,660-32,250,661, AC deleted on the plus strand (GT on the coding strand, the reverse complement: NLRC4 is on the minus strand); deleting any 2 consecutive bases within chr2:32,250,660-32,250,665 gives the same sequence; the c. name uses the placement nearest the transcript's 3' end. VCF-style (leftmost placement, unchanged base first): chr2-32250659-AAC-A. GRCh37 (hg19) VCF-style: chr2-32475728-AAC-A.
Other names: c.1199_1200GT[2], p.Phe402Leufs (NM_001199139.2, NM_021209.5); c.262+1754GT[2] (NM_001302504.1); short protein forms F402fs.
Identifiers: ClinVar variation 1923395 (VCV001923395.6), dbSNP rs2466760638, ClinGen allele CA2580611620.